The following is an entry in ClinVar:

NM_001018115.3(FANCD2):c.696T>C (p.Ser232=)

Genes: FANCD2 (FA complementation group D2; plus strand), LOC107303338 (3p25 FANCD2 Alu-mediated recombination region; plus strand). Cytogenetic location: 3p25.3.
Variant type: single nucleotide variant.
Coding change: c.696T>C on transcript NM_001018115.3 (MANE Select); coding-DNA position 696, T replaced by C.
Protein change: p.Ser232=; no amino-acid change (serine 232 retained).
Molecular consequence: synonymous variant.
Genome position (GRCh38, 1-based): chr3:10,041,623, T>C. VCF-style: chr3-10041623-T-C. GRCh37 (hg19) VCF-style: chr3-10083307-T-C.
Other names: c.696T>C, p.Ser232= (NM_001319984.2, NM_001374253.1, NM_001374254.1 and 1 more transcripts).
Identifiers: ClinVar variation 2807341 (VCV002807341.3), dbSNP rs147015204, ClinGen allele CA2249331.
Genomic context (GRCh38, chr3:10,041,623, plus strand): 5'-TTGTCTGCCCAGCTCTGTTCAAACCATTATACAACTTTTTTCTTTTTCTACCATTCACAG[T>C]GACCTACTGATAGAGAATACTTCACTCACTGTCCCAATCCTGGATGTCCTTTCAAGCCTC-3'
Protein context (NP_001018125.1, residues 222-242): SQHADVGKEL[Ser232=]DLLIENTSLT

ClinVar aggregate classification (germline): Uncertain significance (1 of 4 stars; one submission).

Conditions:
Fanconi anemia (FA). Also called: Fanconi's anemia. Identifiers: Orphanet 84, MedGen C0015625, MeSH D005199, MONDO:0019391.

Allele frequency attached by ClinVar (database versions not stated): gnomAD exomes below 0.00001; ExAC 0.00001; gnomAD 0.00001; TOPMed 0.00002; ESP Exome Variant Server 0.00008.
gnomAD v4.1: 3 of 1,610,506 alleles (0.00019%); highest among the groups gnomAD compares: African/African-American, 0.004%; no homozygotes.

Submission:

Labcorp Genetics (formerly Invitae), Labcorp
Classification: Uncertain significance for Fanconi anemia. Last evaluated: 2023-07-24. Review status: criteria provided, single submitter. Criteria: Invitae Variant Classification Sherloc (09022015). Collection method: clinical testing. Allele origin: germline.
Comment: This variant has not been reported in the literature in individuals affected with FANCD2-related conditions. This sequence change affects codon 232 of the FANCD2 mRNA. It is a 'silent' change, meaning that it does not change the encoded amino acid sequence of the FANCD2 protein. It affects a nucleotide within the consensus splice site. This variant is present in population databases (rs147015204, gnomAD 0.008%). Algorithms developed to predict the effect of sequence changes on RNA splicing suggest that this variant is not likely to affect RNA splicing. In summary, the available evidence is currently insufficient to determine the role of this variant in disease. Therefore, it has been classified as a Variant of Uncertain Significance.